The following is an entry in ClinVar:

NM_182961.4(SYNE1):c.226-1G>A

Gene: SYNE1 (spectrin repeat containing nuclear envelope protein 1; minus strand). Cytogenetic location: 6q25.2.
Variant type: single nucleotide variant.
Coding change: c.226-1G>A on transcript NM_182961.4 (MANE Select); the canonical splice acceptor site of the intron before coding-DNA position 226, G replaced by A.
Molecular consequence: splice acceptor variant.
Genome position (GRCh38, 1-based): chr6:152,520,543, C>T on the plus strand (G>A on the coding strand, the complement: SYNE1 is on the minus strand). VCF-style: chr6-152520543-C-T. GRCh37 (hg19) VCF-style: chr6-152841678-C-T.
Other names: c.226-1G>A (NM_033071.5).
Identifiers: ClinVar variation 805564 (VCV000805564.1), dbSNP rs1594574182, ClinGen allele CA366110748.

ClinVar aggregate classification (germline): Likely pathogenic (1 of 4 stars; one submission).

gnomAD v4.1: 1 of 1,613,488 alleles (0.000062%); highest among the groups gnomAD compares: African/African-American, 0.0013%; no homozygotes.

Submission:

Athena Diagnostics
Classification: Likely pathogenic. Last evaluated: 2018-09-04. Review status: criteria provided, single submitter. Criteria: Athena Diagnostics Criteria. Collection method: clinical testing. Allele origin: germline.
Comment: The variant disrupts a canonical splice site, and is therefore predicted to significantly disrupt the protein structure. Not found in the total gnomAD dataset, and the data is high quality (0/276514 chr).